The following is an entry in ClinVar:

NM_002203.4(ITGA2):c.*462A>C

Gene: ITGA2 (integrin subunit alpha 2; plus strand). Cytogenetic location: 5q11.2.
Variant type: single nucleotide variant.
Coding change: c.*462A>C on transcript NM_002203.4 (MANE Select); 462 bases downstream of the stop codon, A replaced by C.
Molecular consequence: 3 prime UTR variant. On other transcripts: non-coding transcript variant (5).
Genome position (GRCh38, 1-based): chr5:53,091,061, A>C. VCF-style: chr5-53091061-A-C. GRCh37 (hg19) VCF-style: chr5-52386891-A-C.
Identifiers: ClinVar variation 353791 (VCV000353791.5), dbSNP rs182541283, ClinGen allele CA10621958.

ClinVar aggregate classification (germline): Benign (1 of 4 stars; one submission).

Conditions:
Platelet-type bleeding disorder 9 (BDPLT9). Also called: GLYCOPROTEIN Ia DEFICIENCY; GP Ia DEFICIENCY; COLLAGEN PLATELET RECEPTOR DEFICIENCY. Identifiers: Orphanet 73271, Orphanet 98886, MedGen C3280114, MONDO:0013622, OMIM 614200.

Allele frequency attached by ClinVar (database versions not stated): 1000 Genomes Project 30x 0.00141; 1000 Genomes Project 0.00160; TOPMed 0.00256; gnomAD 0.00378 and 0.00385; gnomAD exomes 0.00424.
gnomAD v4.1: 1,104 of 274,432 alleles (0.4%); highest among the groups gnomAD compares: Non-Finnish European, 0.5%; 10 homozygotes.

Submission:

Illumina Laboratory Services, Illumina
Classification: Benign for Platelet-type bleeding disorder 9. Last evaluated: 2018-01-13. Review status: criteria provided, single submitter. Criteria: ICSL Variant Classification Criteria 13 December 2019. Collection method: clinical testing. Allele origin: germline.
Comment: This variant was observed in the ICSL laboratory as part of a predisposition screen in an ostensibly healthy population. It had not been previously curated by ICSL or reported in the Human Gene Mutation Database (HGMD: prior to June 1st, 2018), and was therefore a candidate for classification through an automated scoring system. Utilizing variant allele frequency, disease prevalence and penetrance estimates, and inheritance mode, an automated score was calculated to assess if this variant is too frequent to cause the disease. Based on the score and internal cut-off values, a variant classified as benign is not then subjected to further curation. The score for this variant resulted in a classification of benign for this disease.